The following is an entry in ClinVar:

NM_025099.6(CTC1):c.8C>T (p.Ala3Val)

Genes: CTC1 (CST telomere replication complex component 1; minus strand), PFAS (phosphoribosylformylglycinamidine synthase; plus strand). Cytogenetic location: 17p13.1.
Variant type: single nucleotide variant.
Coding change: c.8C>T on transcript NM_025099.6 (MANE Select); coding-DNA position 8, C replaced by T.
Protein change: p.Ala3Val; replaces alanine 3 with valine.
Molecular consequence: missense variant. On other transcripts: non-coding transcript variant (1).
Genome position (GRCh38, 1-based): chr17:8,248,029, G>A on the plus strand (C>T on the coding strand, the complement: CTC1 is on the minus strand). VCF-style: chr17-8248029-G-A. GRCh37 (hg19) VCF-style: chr17-8151347-G-A.
Other names: short protein forms A3V.
Identifiers: ClinVar variation 581397 (VCV000581397.14), dbSNP rs923853643, ClinGen allele CA287546683.

ClinVar aggregate classification (germline): Uncertain significance. Review status: criteria provided, multiple submitters, no conflicts (2 of 4 stars). 4 submissions from 4 submitters: Uncertain significance (4). Last evaluated 2021-07-15.

Conditions:
Dyskeratosis congenita. Identifiers: Orphanet 1775, MedGen C0265965, MONDO:0015780.
Cerebroretinal microangiopathy with calcifications and cysts 1 (CRMCC1). Identifiers: Orphanet 313838, MedGen C4552029, MONDO:0024564, OMIM 612199.

Allele frequency attached by ClinVar (database versions not stated): gnomAD exomes 0.00001; TOPMed 0.00002.
gnomAD v4.1: 17 of 1,443,500 alleles (0.0012%); highest among the groups gnomAD compares: Non-Finnish European, 0.0014%; no homozygotes.

Submissions (4):

Genome-Nilou Lab
Classification: Uncertain significance for Cerebroretinal microangiopathy with calcifications and cysts 1. Last evaluated: 2021-07-15. Review status: criteria provided, single submitter. Criteria: ACMG Guidelines, 2015. Collection method: clinical testing. Allele origin: germline. Affected: no.

Knight Diagnostic Laboratories, Oregon Health and Sciences University
Classification: Uncertain significance. Last evaluated: 2019-03-22. Review status: criteria provided, single submitter. Criteria: ACMG Guidelines, 2015. Collection method: clinical testing. Allele origin: germline. Observed: 1 variant allele.

Labcorp Genetics (formerly Invitae), Labcorp
Classification: Uncertain significance for Dyskeratosis congenita. Last evaluated: 2018-02-08. Review status: criteria provided, single submitter. Criteria: Invitae Variant Classification Sherloc (09022015). Collection method: clinical testing. Allele origin: germline.
Comment: In summary, the available evidence is currently insufficient to determine the role of this variant in disease. Therefore, it has been classified as a Variant of Uncertain Significance. Algorithms developed to predict the effect of missense changes on protein structure and function output the following: SIFT: "Tolerated"; PolyPhen-2: "Benign"; Align-GVGD: "Class C0". The valine amino acid residue is found in multiple mammalian species, suggesting that this missense change does not adversely affect protein function. These predictions have not been confirmed by published functional studies and their clinical significance is uncertain. This variant has not been reported in the literature in individuals with CTC1-related disease. This variant is not present in population databases (ExAC no frequency). This sequence change replaces alanine with valine at codon 3 of the CTC1 protein (p.Ala3Val). The alanine residue is weakly conserved and there is a small physicochemical difference between alanine and valine.

Illumina Laboratory Services, Illumina
Classification: Uncertain significance for Dyskeratosis congenita. Last evaluated: 2018-01-12. Review status: criteria provided, single submitter. Criteria: ICSL Variant Classification Criteria 13 December 2019. Collection method: clinical testing. Allele origin: germline.